The following is an entry in ClinVar:

NM_004370.6(COL12A1):c.2083A>G (p.Thr695Ala)

Gene: COL12A1 (collagen type XII alpha 1 chain; minus strand). Cytogenetic location: 6q13.
Variant type: single nucleotide variant.
Coding change: c.2083A>G on transcript NM_004370.6 (MANE Select); coding-DNA position 2083, A replaced by G.
Protein change: p.Thr695Ala; replaces threonine 695 with alanine.
Molecular consequence: missense variant. On other transcripts: intron variant (1).
Genome position (GRCh38, 1-based): chr6:75,181,020, T>C on the plus strand (A>G on the coding strand, the complement: COL12A1 is on the minus strand). VCF-style: chr6-75181020-T-C. GRCh37 (hg19) VCF-style: chr6-75890736-T-C.
Other names: c.73+21700A>G (NM_080645.3); short protein forms T695A.
Identifiers: ClinVar variation 1392546 (VCV001392546.8), dbSNP rs758201181, ClinGen allele CA3894071.

ClinVar aggregate classification (germline): Uncertain significance (1 of 4 stars; one submission).

Conditions:
Bethlem myopathy 2 (BTHLM2). Identifiers: Orphanet 536516, Orphanet 610, MedGen C4225313, MONDO:0034022, OMIM 616471.
Ullrich congenital muscular dystrophy 2 (UCMD2). Identifiers: Orphanet 75840, MedGen C4225314, MONDO:0014654, OMIM 616470.

Allele frequency attached by ClinVar (database versions not stated): ExAC 0.00001; gnomAD exomes below 0.00001; gnomAD 0.00001.
gnomAD v4.1: 3 of 1,613,910 alleles (0.00019%); highest among the groups gnomAD compares: Non-Finnish European, 0.00025%; no homozygotes.

Submission:

Labcorp Genetics (formerly Invitae), Labcorp
Classification: Uncertain significance for Bethlem myopathy 2; Ullrich congenital muscular dystrophy 2. Last evaluated: 2025-10-10. Review status: criteria provided, single submitter. Criteria: Invitae Variant Classification Sherloc (09022015). Collection method: clinical testing. Allele origin: germline.
Comment: This sequence change replaces threonine, which is neutral and polar, with alanine, which is neutral and non-polar, at codon 695 of the COL12A1 protein (p.Thr695Ala). This variant is present in population databases (rs758201181, gnomAD 0.002%). This variant has not been reported in the literature in individuals affected with COL12A1-related conditions. ClinVar contains an entry for this variant (Variation ID: 1392546). Invitae Evidence Modeling of protein sequence and biophysical properties (such as structural, functional, and spatial information, amino acid conservation, physicochemical variation, residue mobility, and thermodynamic stability) indicates that this missense variant is not expected to disrupt COL12A1 protein function with a negative predictive value of 80%. In summary, the available evidence is currently insufficient to determine the role of this variant in disease. Therefore, it has been classified as a Variant of Uncertain Significance.